The following is an entry in ClinVar:

NM_004766.3(COPB2):c.403T>G (p.Ser135Ala)

Gene: COPB2 (coat protein complex I subunit beta 2; minus strand). Cytogenetic location: 3q23.
Variant type: single nucleotide variant.
Coding change: c.403T>G on transcript NM_004766.3 (MANE Select); coding-DNA position 403, T replaced by G.
Protein change: p.Ser135Ala; replaces serine 135 with alanine.
Molecular consequence: missense variant. On other transcripts: non-coding transcript variant (1).
Genome position (GRCh38, 1-based): chr3:139,378,142, A>C on the plus strand (T>G on the coding strand, the complement: COPB2 is on the minus strand). VCF-style: chr3-139378142-A-C. GRCh37 (hg19) VCF-style: chr3-139096984-A-C.
Other names: c.316T>G, p.Ser106Ala (NM_001410834.1); short protein forms S135A, S106A.
Identifiers: ClinVar variation 3495963 (VCV003495963.3).

ClinVar aggregate classification (germline): Uncertain significance. Review status: criteria provided, multiple submitters, no conflicts (2 of 4 stars). 2 submissions from 2 submitters: Uncertain significance (2). Last evaluated 2024-11-25.

Conditions:
Inborn genetic diseases. Identifiers: MedGen C0950123, MeSH D030342.

Submissions (2):

Ambry Genetics
Classification: Uncertain significance for Inborn genetic diseases. Last evaluated: 2024-11-25. Review status: criteria provided, single submitter. Criteria: Ambry Variant Classification Scheme 2023. Collection method: clinical testing. Allele origin: germline.

Labcorp Genetics (formerly Invitae), Labcorp
Classification: Uncertain significance. Last evaluated: 2024-11-06. Review status: criteria provided, single submitter. Criteria: Invitae Variant Classification Sherloc (09022015). Collection method: clinical testing. Allele origin: germline.
Comment: This sequence change replaces serine, which is neutral and polar, with alanine, which is neutral and non-polar, at codon 135 of the COPB2 protein (p.Ser135Ala). This variant is present in population databases (no rsID available, gnomAD no frequency). This variant has not been reported in the literature in individuals affected with COPB2-related conditions. An algorithm developed to predict the effect of missense changes on protein structure and function (PolyPhen-2) suggests that this variant is likely to be tolerated. In summary, the available evidence is currently insufficient to determine the role of this variant in disease. Therefore, it has been classified as a Variant of Uncertain Significance.